The following is an entry in ClinVar:

ClinVar aggregate classification (germline): Likely pathogenic (1 of 4 stars; one submission).

Allele frequency attached by ClinVar (database versions not stated): gnomAD exomes below 0.00001; TOPMed below 0.00001; ExAC 0.00001.
gnomAD v4.1: 1 of 1,613,992 alleles (0.000062%); highest among the groups gnomAD compares: Non-Finnish European, 0.000085%; no homozygotes.

Submission:

GeneDx
Classification: Likely pathogenic. Last evaluated: 2025-02-09. Review status: criteria provided, single submitter. Criteria: GeneDx Variant Classification Process June 2021. Collection method: clinical testing. Allele origin: germline. Affected: yes.
Comment: Not observed at a significant frequency in large population cohorts (gnomAD); In silico analysis supports that this missense variant has a deleterious effect on protein structure/function; This variant is associated with the following publications: (PMID: 39704219)

NM_002470.4(MYH3):c.326G>A (p.Arg109His)

Gene: MYH3 (myosin heavy chain 3; minus strand). Cytogenetic location: 17p13.1.
Variant type: single nucleotide variant.
Coding change: c.326G>A on transcript NM_002470.4 (MANE Select); coding-DNA position 326, G replaced by A.
Protein change: p.Arg109His; replaces arginine 109 with histidine.
Molecular consequence: missense variant.
Genome position (GRCh38, 1-based): chr17:10,652,442, C>T on the plus strand (G>A on the coding strand, the complement: MYH3 is on the minus strand). VCF-style: chr17-10652442-C-T. GRCh37 (hg19) VCF-style: chr17-10555759-C-T.
Other names: short protein forms R109H.
Identifiers: ClinVar variation 1321646 (VCV001321646.3), dbSNP rs773615398, ClinGen allele CA8393342.